The following is an entry in ClinVar:

NM_000069.3(CACNA1S):c.2854-11_2854-10del

Gene: CACNA1S (calcium voltage-gated channel subunit alpha1 S; minus strand). Cytogenetic location: 1q32.1.
Variant type: Deletion.
Coding change: c.2854-11_2854-10del on transcript NM_000069.3 (MANE Select); 11 bases into the intron before coding-DNA position 2854 through 10 bases into the intron before coding-DNA position 2854, 2 bases deleted (CC; older notation c.2854-11_2854-10delCC).
Molecular consequence: intron variant.
Genome position (GRCh38, 1-based): chr1:201,062,524-201,062,525, GG deleted on the plus strand (CC on the coding strand, the reverse complement: CACNA1S is on the minus strand). VCF-style (leftmost placement, unchanged base first): chr1-201062523-AGG-A. GRCh37 (hg19) VCF-style: chr1-201031651-AGG-A.
Identifiers: ClinVar variation 765928 (VCV000765928.10), dbSNP rs780065077, ClinGen allele CA079343.

ClinVar aggregate classification (germline): Likely benign. Review status: criteria provided, multiple submitters, no conflicts (2 of 4 stars). 2 submissions from 2 submitters: Likely benign (2). Last evaluated 2024-12-17.

Conditions:
Hypokalemic periodic paralysis, type 1. Also called: HypoPP; Hypokalemic Periodic Paralysis Type 1 (AD). Identifiers: Orphanet 681, MedGen C3714580, MONDO:0042979, OMIM 170400.
Malignant hyperthermia, susceptibility to, 5 (MHS5). Also called: CACNA1S-Related Malignant Hyperthermia Susceptibility. Identifiers: Orphanet 423, MedGen C1866077, MONDO:0011163, OMIM 601887.

Allele frequency attached by ClinVar (database versions not stated): gnomAD below 0.00001 and 0.00001; ExAC 0.00001; gnomAD exomes 0.00001 and 0.00002.

Submissions (2):

Labcorp Genetics (formerly Invitae), Labcorp
Classification: Likely benign for Hypokalemic periodic paralysis, type 1; Malignant hyperthermia, susceptibility to, 5. Last evaluated: 2024-12-17. Review status: criteria provided, single submitter. Criteria: Invitae Variant Classification Sherloc (09022015). Collection method: clinical testing. Allele origin: germline.

All of Us Research Program, National Institutes of Health
Classification: Likely benign for Malignant hyperthermia, susceptibility to, 5. Last evaluated: 2023-05-08. Review status: criteria provided, single submitter. Criteria: ACMG Guidelines, 2015. Collection method: clinical testing. Allele origin: germline. Inheritance: Autosomal dominant inheritance. Observed: 2 variant alleles, 2 heterozygotes.
Comment: This study involves interpretation of variants in research participants for the purpose of population health screening. Participant phenotype was not available at the time of variant classification. Additional details can be found in publication PMID: 35346344, PMCID: PMC8962531